The following is an entry in ClinVar:

NM_001042492.3(NF1):c.3225A>G (p.Ala1075=)

Gene: NF1 (neurofibromin 1; plus strand). Cytogenetic location: 17q11.2.
Variant type: single nucleotide variant.
Coding change: c.3225A>G on transcript NM_001042492.3 (MANE Select); coding-DNA position 3225, A replaced by G.
Protein change: p.Ala1075=; no amino-acid change (alanine 1075 retained).
Molecular consequence: synonymous variant.
Genome position (GRCh38, 1-based): chr17:31,232,100, A>G. VCF-style: chr17-31232100-A-G. GRCh37 (hg19) VCF-style: chr17-29559118-A-G.
Other names: c.3225A>G, p.Ala1075= (NM_000267.4).
Identifiers: ClinVar variation 413021 (VCV000413021.14), dbSNP rs746022492, ClinGen allele CA8486126.
Genomic context (GRCh38, chr17:31,232,100, plus strand): 5'-TAAATTTTTTTTTTTTTTTTTTTTTTTTTTCAGAGATTTGGACCAGGCAAGCATGGAAGC[A>G]GTAGTTTCACTTCTAGCTGGTCTCCCTCTGCAGCCTGAAGAAGGAGATGGTGTGGAATTG-3'
Protein context (NP_001035957.1, residues 1065-1085): TRDLDQASME[Ala1075=]VVSLLAGLPL

ClinVar aggregate classification (germline): Benign/Likely benign. Review status: criteria provided, multiple submitters, no conflicts (2 of 4 stars). 4 submissions from 4 submitters: Benign (1); Likely benign (3). Last evaluated 2026-09-28.

Conditions:
Neurofibromatosis, type 1 (NF1). Also called: VON RECKLINGHAUSEN DISEASE; NEUROFIBROMATOSIS, TYPE I, SOMATIC; Neurofibromatosis, type I; Peripheral type neurofibromatosis. Identifiers: Orphanet 636, MedGen C0027831, MONDO:0018975, OMIM 162200. Disease mechanism: loss of function.
Hereditary cancer-predisposing syndrome. Also called: Hereditary Cancer Syndrome; Hereditary neoplastic syndrome; Neoplastic Syndromes, Hereditary; Tumor predisposition. Identifiers: Orphanet 140162, MedGen C0027672, MeSH D009386, MONDO:0015356.

Allele frequency attached by ClinVar (database versions not stated): gnomAD exomes below 0.00001; ExAC 0.00001.

Submissions (4):

Myriad Genetics, Inc.
Classification: Benign for Neurofibromatosis, type 1. Last evaluated: 2026-09-28. Review status: criteria provided, single submitter. Criteria: Myriad Autosomal Dominant, Autosomal Recessive and X-Linked Classification Criteria (2023). Collection method: clinical testing. Allele origin: unknown.
Comment: This variant is considered benign. This variant is a silent/synonymous amino acid change and it is not expected to impact splicing.

Labcorp Genetics (formerly Invitae), Labcorp
Classification: Likely benign for Neurofibromatosis, type 1. Last evaluated: 2025-04-21. Review status: criteria provided, single submitter. Criteria: Invitae Variant Classification Sherloc (09022015). Collection method: clinical testing. Allele origin: germline.

Genome-Nilou Lab
Classification: Likely benign for Neurofibromatosis, type 1. Last evaluated: 2022-03-15. Review status: criteria provided, single submitter. Criteria: ACMG Guidelines, 2015. Collection method: clinical testing. Allele origin: germline. Affected: no.

Ambry Genetics
Classification: Likely benign for Hereditary cancer-predisposing syndrome. Last evaluated: 2016-03-13. Review status: criteria provided, single submitter. Criteria: Ambry Autosomal Dominant and X-Linked criteria (10/2015). Collection method: clinical testing. Allele origin: germline. Observed: 1 variant allele.
Comment: Synonymous alterations with insufficient evidence to classify as benign